The following is an entry in ClinVar:

ClinVar aggregate classification (germline): Uncertain significance (1 of 4 stars; one submission).

Conditions:
NRP1-related disorder. Also called: NRP1-related condition.

gnomAD v4.1: 3 of 1,614,186 alleles (0.00019%); highest among the groups gnomAD compares: Non-Finnish European, 0.00025%; no homozygotes.

Submission:

PreventionGenetics, part of Exact Sciences
Classification: Uncertain significance for NRP1-related condition. Last evaluated: 2025-05-20. Review status: criteria provided, single submitter. Criteria: ACMG Guidelines, 2015. Collection method: clinical testing. Allele origin: germline.
Comment: The NRP1 c.700G>T variant is predicted to result in the amino acid substitution p.Gly234Cys. To our knowledge, this variant has not been reported in the literature or in a large population database (gnomAD), indicating this variant is rare. At this time, the clinical significance of this variant is uncertain due to the absence of conclusive functional and genetic evidence.

NM_003873.7(NRP1):c.700G>T (p.Gly234Cys)

Gene: NRP1 (neuropilin 1; minus strand). Cytogenetic location: 10p11.22.
Variant type: single nucleotide variant.
Coding change: c.700G>T on transcript NM_003873.7 (MANE Select); coding-DNA position 700, G replaced by T.
Protein change: p.Gly234Cys; replaces glycine 234 with cysteine.
Molecular consequence: missense variant. On other transcripts: non-coding transcript variant (1).
Genome position (GRCh38, 1-based): chr10:33,256,430, C>A on the plus strand (G>T on the coding strand, the complement: NRP1 is on the minus strand). VCF-style: chr10-33256430-C-A. GRCh37 (hg19) VCF-style: chr10-33545358-C-A.
Other names: c.700G>T, p.Gly234Cys (NM_001024628.3, NM_001024629.3, NM_001244972.2 and 2 more transcripts); short protein forms G234C.
Identifiers: ClinVar variation 5000920 (VCV005000920.1).
Genomic context (GRCh38, chr10:33,256,430, plus strand): 5'-CTATCGCGCTGTCGGTGTAAAAAACCATGGAGAGAATGCCCGATGAGGATCGGATTCGAC[C>A]TGGTGTTTTCTGTCCACAGTAACGCCCAATGTGAGGGCCAACTGGAAAGGGAGGAATACA-3'
Protein context (NP_003864.5, residues 224-244): IGRYCGQKTP[Gly234Cys]RIRSSSGILS